The following is an entry in ClinVar:

ClinVar aggregate classification (germline): Uncertain significance. Review status: criteria provided, multiple submitters, no conflicts (2 of 4 stars). 4 submissions from 3 submitters: Uncertain significance (4). Last evaluated 2025-08-20.

Conditions:
Ectopia lentis et pupillae. Also called: ECTOPIA LENTIS WITH ECTOPIA OF PUPIL. Identifiers: Orphanet 1885, MedGen C1644196, MONDO:0009153, OMIM 225200.
Ectopia lentis 2, isolated, autosomal recessive (ECTOL2). Identifiers: Orphanet 1885, MedGen C3541474, MONDO:0009152, OMIM 225100.
Inborn genetic diseases. Identifiers: MedGen C0950123, MeSH D030342.

gnomAD v4.1: 59 of 1,614,018 alleles (0.0037%); highest among the groups gnomAD compares: South Asian, 0.0088%; no homozygotes.

Submissions (4):

Ambry Genetics
Classification: Uncertain significance for Inborn genetic diseases. Last evaluated: 2025-08-20. Review status: criteria provided, single submitter. Criteria: Ambry Variant Classification Scheme 2023. Collection method: clinical testing. Allele origin: germline.

Genome-Nilou Lab
Classification: Uncertain significance for Ectopia lentis et pupillae. Last evaluated: 2023-04-11. Review status: criteria provided, single submitter. Criteria: ACMG Guidelines, 2015. Collection method: clinical testing. Allele origin: germline. Affected: no.

Genome-Nilou Lab
Classification: Uncertain significance for Ectopia lentis 2, isolated, autosomal recessive. Last evaluated: 2023-04-11. Review status: criteria provided, single submitter. Criteria: ACMG Guidelines, 2015. Collection method: clinical testing. Allele origin: germline. Affected: no.

Labcorp Genetics (formerly Invitae), Labcorp
Classification: Uncertain significance. Last evaluated: 2022-09-01. Review status: criteria provided, single submitter. Criteria: Invitae Variant Classification Sherloc (09022015). Collection method: clinical testing. Allele origin: germline.
Comment: This sequence change replaces arginine, which is basic and polar, with cysteine, which is neutral and slightly polar, at codon 417 of the ADAMTSL4 protein (p.Arg417Cys). This variant is present in population databases (rs752923405, gnomAD 0.01%). This variant has not been reported in the literature in individuals affected with ADAMTSL4-related conditions. Algorithms developed to predict the effect of missense changes on protein structure and function (SIFT, PolyPhen-2, Align-GVGD) all suggest that this variant is likely to be disruptive. In summary, the available evidence is currently insufficient to determine the role of this variant in disease. Therefore, it has been classified as a Variant of Uncertain Significance.

NM_019032.6(ADAMTSL4):c.1249C>T (p.Arg417Cys)

Genes: ADAMTSL4 (ADAMTS like 4; plus strand), ADAMTSL4-AS2 (ADAMTSL4 antisense RNA 2; minus strand). Cytogenetic location: 1q21.2.
Variant type: single nucleotide variant.
Coding change: c.1249C>T on transcript NM_019032.6 (MANE Select); coding-DNA position 1249, C replaced by T.
Protein change: p.Arg417Cys; replaces arginine 417 with cysteine.
Molecular consequence: missense variant.
Genome position (GRCh38, 1-based): chr1:150,555,443, C>T. VCF-style: chr1-150555443-C-T. GRCh37 (hg19) VCF-style: chr1-150527919-C-T.
Other names: c.1318C>T, p.Arg440Cys (NM_001288607.2, NM_001288608.2); c.1249C>T, p.Arg417Cys (NM_001378596.1, NM_025008.5); short protein forms R440C, R417C.
Identifiers: ClinVar variation 1953256 (VCV001953256.5), dbSNP rs752923405, ClinGen allele CA1078205.